The following is an entry in ClinVar:

NM_000051.4(ATM):c.2629A>G (p.Ser877Gly)

Gene: ATM (ATM serine/threonine kinase; plus strand). Cytogenetic location: 11q22.3.
Variant type: single nucleotide variant.
Coding change: c.2629A>G on transcript NM_000051.4 (MANE Select); coding-DNA position 2629, A replaced by G.
Protein change: p.Ser877Gly; replaces serine 877 with glycine.
Molecular consequence: missense variant.
Genome position (GRCh38, 1-based): chr11:108,267,333, A>G. VCF-style: chr11-108267333-A-G. GRCh37 (hg19) VCF-style: chr11-108138060-A-G.
Other names: c.2629A>G, p.Ser877Gly (NM_001351834.2); short protein forms S877G.
Identifiers: ClinVar variation 1023332 (VCV001023332.9), dbSNP rs2081313542, ClinGen allele CA382544318.

ClinVar aggregate classification (germline): Uncertain significance. Review status: criteria provided, multiple submitters, no conflicts (2 of 4 stars). 2 submissions from 2 submitters: Uncertain significance (2). Last evaluated 2023-12-16.

Conditions:
Hereditary cancer-predisposing syndrome. Also called: Hereditary neoplastic syndrome; Neoplastic Syndromes, Hereditary; Tumor predisposition; Hereditary Cancer Syndrome. Identifiers: Orphanet 140162, MedGen C0027672, MeSH D009386, MONDO:0015356.
Ataxia-telangiectasia syndrome (AT). Also called: ATAXIA-TELANGIECTASIA, FRESNO VARIANT; Ataxia-telangiectasia, complementation group D; AT, COMPLEMENTATION GROUP C; Cerebello-oculocutaneous telangiectasia; Immunodeficiency with ataxia telangiectasia; Ataxia telangiectasia (A-T). Identifiers: Orphanet 100, MedGen C0004135, MONDO:0008840, OMIM 208900.

Submissions (2):

Labcorp Genetics (formerly Invitae), Labcorp
Classification: Uncertain significance for Ataxia-telangiectasia syndrome. Last evaluated: 2023-12-16. Review status: criteria provided, single submitter. Criteria: Invitae Variant Classification Sherloc (09022015). Collection method: clinical testing. Allele origin: germline.
Comment: This sequence change replaces serine, which is neutral and polar, with glycine, which is neutral and non-polar, at codon 877 of the ATM protein (p.Ser877Gly). This variant is not present in population databases (gnomAD no frequency). This variant has not been reported in the literature in individuals affected with ATM-related conditions. ClinVar contains an entry for this variant (Variation ID: 1023332). An algorithm developed to predict the effect of missense changes on protein structure and function (PolyPhen-2) suggests that this variant¬†is likely to be tolerated. RNA analysis performed to evaluate the impact of this missense change on mRNA splicing indicates it does not significantly alter splicing (Invitae). In summary, the available evidence is currently insufficient to determine the role of this variant in disease. Therefore, it has been classified as a Variant of Uncertain Significance.

Ambry Genetics
Classification: Uncertain significance for Hereditary cancer-predisposing syndrome. Last evaluated: 2023-11-15. Review status: criteria provided, single submitter. Criteria: Ambry Variant Classification Scheme 2023. Collection method: clinical testing. Allele origin: germline.
Comment: The p.S877G variant (also known as c.2629A>G), located in coding exon 16 of the ATM gene, results from an A to G substitution at nucleotide position 2629. The serine at codon 877 is replaced by glycine, an amino acid with similar properties. This amino acid position is not well conserved in available vertebrate species. In addition, this alteration is predicted to be tolerated by in silico analysis. Since supporting evidence is limited at this time, the clinical significance of this alteration remains unclear.